The following is an entry in ClinVar:

NM_000038.6(APC):c.1083T>A (p.His361Gln)

Gene: APC (APC regulator of Wnt signaling pathway; plus strand). Cytogenetic location: 5q22.2.
Variant type: single nucleotide variant.
Coding change: c.1083T>A on transcript NM_000038.6 (MANE Select); coding-DNA position 1083, T replaced by A.
Protein change: p.His361Gln; replaces histidine 361 with glutamine.
Molecular consequence: missense variant. On other transcripts: intron variant (4).
Genome position (GRCh38, 1-based): chr5:112,819,115, T>A. VCF-style: chr5-112819115-T-A. GRCh37 (hg19) VCF-style: chr5-112154812-T-A.
Other names: c.1083T>A, p.His361Gln (NM_001127510.3, NM_001354895.2, NM_001354896.2); c.1029T>A, p.His343Gln (NM_001127511.3); c.1113T>A, p.His371Gln (NM_001354897.2); c.1008T>A, p.His336Gln (NM_001354898.2); c.999T>A, p.His333Gln (NM_001354899.2); c.906T>A, p.His302Gln (NM_001354900.2, NM_001354901.2); c.234T>A, p.His78Gln (NM_001354906.2); c.964-154T>A (NM_001354902.2); and 3 more; short protein forms H361Q, H302Q, H333Q, H343Q, H78Q, H336Q, H371Q.
Identifiers: ClinVar variation 952572 (VCV000952572.11), dbSNP rs1762829027, ClinGen allele CA16023681.

ClinVar aggregate classification (germline): Uncertain significance (1 of 4 stars; one submission).

Conditions:
Familial adenomatous polyposis 1 (FAP1). Also called: POLYPOSIS, ADENOMATOUS INTESTINAL; FAMILIAL ADENOMATOUS POLYPOSIS 1, ATTENUATED. Identifiers: MedGen C2713442, MONDO:0021056, OMIM 175100. Disease mechanism: loss of function.

Submission:

Labcorp Genetics (formerly Invitae), Labcorp
Classification: Uncertain significance for Familial adenomatous polyposis 1. Last evaluated: 2019-05-10. Review status: criteria provided, single submitter. Criteria: Invitae Variant Classification Sherloc (09022015). Collection method: clinical testing. Allele origin: germline.
Comment: This sequence change replaces histidine with glutamine at codon 361 of the APC protein (p.His361Gln). The histidine residue is highly conserved and there is a small physicochemical difference between histidine and glutamine. This variant is not present in population databases (ExAC no frequency). This variant has not been reported in the literature in individuals with APC-related conditions. Algorithms developed to predict the effect of missense changes on protein structure and function are either unavailable or do not agree on the potential impact of this missense change (SIFT: "Deleterious"; PolyPhen-2: "Probably Damaging"; Align-GVGD: "Class C0"). In summary, the available evidence is currently insufficient to determine the role of this variant in disease. Therefore, it has been classified as a Variant of Uncertain Significance.